The following is an entry in ClinVar:

NM_006208.3(ENPP1):c.339C>G (p.Phe113Leu)

Gene: ENPP1 (ectonucleotide pyrophosphatase/phosphodiesterase 1; plus strand). Cytogenetic location: 6q23.2.
Variant type: single nucleotide variant.
Coding change: c.339C>G on transcript NM_006208.3 (MANE Select); coding-DNA position 339, C replaced by G.
Protein change: p.Phe113Leu; replaces phenylalanine 113 with leucine.
Molecular consequence: missense variant.
Genome position (GRCh38, 1-based): chr6:131,850,015, C>G. VCF-style: chr6-131850015-C-G. GRCh37 (hg19) VCF-style: chr6-132171155-C-G.
Other names: short protein forms F113L.
Identifiers: ClinVar variation 4742706 (VCV004742706.1).
Genomic context (GRCh38, chr6:131,850,015, plus strand): 5'-TTAGAAACATCTGACTTATCGTTCAATTTTTTCAGTTAAAAGTTGCAAAGGTCGCTGTTT[C>G]GAGAGAACATTTGGGAACTGTCGCTGTGATGCTGCCTGTGTTGAGCTTGGAAACTGCTGT-3'
Protein context (NP_006199.2, residues 103-123): KEVKSCKGRC[Phe113Leu]ERTFGNCRCD

ClinVar aggregate classification (germline): Uncertain significance (1 of 4 stars; one submission).

gnomAD v4.1: 5 of 1,613,840 alleles (0.00031%); highest among the groups gnomAD compares: Non-Finnish European, 0.00042%; no homozygotes.

Submission:

Labcorp Genetics (formerly Invitae), Labcorp
Classification: Uncertain significance. Last evaluated: 2025-12-03. Review status: criteria provided, single submitter. Criteria: Invitae Variant Classification Sherloc (09022015). Collection method: clinical testing. Allele origin: germline.
Comment: This sequence change replaces phenylalanine, which is neutral and non-polar, with leucine, which is neutral and non-polar, at codon 113 of the ENPP1 protein (p.Phe113Leu). This variant is not present in population databases (gnomAD no frequency). This variant has not been reported in the literature in individuals affected with ENPP1-related conditions. Invitae Evidence Modeling of protein sequence and biophysical properties (such as structural, functional, and spatial information, amino acid conservation, physicochemical variation, residue mobility, and thermodynamic stability) indicates that this missense variant is not expected to disrupt ENPP1 protein function with a negative predictive value of 80%. In summary, the available evidence is currently insufficient to determine the role of this variant in disease. Therefore, it has been classified as a Variant of Uncertain Significance.